The following is an entry in ClinVar:

ClinVar aggregate classification (germline): Likely benign. Review status: criteria provided, multiple submitters, no conflicts (2 of 4 stars). 2 submissions from 2 submitters: Likely benign (2). Last evaluated 2026-04-20.

Conditions:
SRRM2-related disorder. Also called: SRRM2-related condition.

Allele frequency attached by ClinVar (database versions not stated): 1000 Genomes Project 30x 0.00016; 1000 Genomes Project 0.00020; ESP Exome Variant Server 0.00046; TOPMed 0.00047; gnomAD exomes 0.00068; ExAC 0.00072; gnomAD 0.00084.
gnomAD v4.1: 1,103 of 1,614,106 alleles (0.068%); highest among the groups gnomAD compares: Non-Finnish European, 0.077%; 2 homozygotes.

Submissions (2):

PreventionGenetics, part of Exact Sciences
Classification: Likely benign for SRRM2-related condition. Last evaluated: 2026-04-20. Review status: criteria provided, single submitter. Criteria: ACMG Guidelines, 2015. Collection method: clinical testing. Allele origin: germline.
Comment: This variant is classified as likely benign based on ACMG/AMP sequence variant interpretation guidelines (Richards et al. 2015 PMID: 25741868, with internal and published modifications).

CeGaT Center for Human Genetics Tuebingen
Classification: Likely benign. Last evaluated: 2025-04-01. Review status: criteria provided, single submitter. Criteria: CeGaT Center For Human Genetics Tuebingen Variant Classification Criteria Version 2. Collection method: clinical testing. Allele origin: germline. Affected: yes. Observed: 2 variant alleles.
Comment: SRRM2: BP4

NM_016333.4(SRRM2):c.3752A>G (p.Gln1251Arg)

Gene: SRRM2 (serine/arginine repetitive matrix 2; plus strand). Cytogenetic location: 16p13.3.
Variant type: single nucleotide variant.
Coding change: c.3752A>G on transcript NM_016333.4 (MANE Select); coding-DNA position 3752, A replaced by G.
Protein change: p.Gln1251Arg; replaces glutamine 1251 with arginine.
Molecular consequence: missense variant.
Genome position (GRCh38, 1-based): chr16:2,764,280, A>G. VCF-style: chr16-2764280-A-G. GRCh37 (hg19) VCF-style: chr16-2814281-A-G.
Other names: c.3752A>G (NM_016333.3); short protein forms Q1251R.
Identifiers: ClinVar variation 2672609 (VCV002672609.24), dbSNP rs138286601, ClinGen allele CA7847990.